The following is an entry in ClinVar:

ClinVar aggregate classification (germline): Likely pathogenic (1 of 4 stars; one submission).

Conditions:
Fanconi anemia (FA). Also called: Fanconi's anemia. Identifiers: Orphanet 84, MedGen C0015625, MeSH D005199, MONDO:0019391.

Submission:

Labcorp Genetics (formerly Invitae), Labcorp
Classification: Likely pathogenic for Fanconi anemia. Last evaluated: 2023-11-17. Review status: criteria provided, single submitter. Criteria: Invitae Variant Classification Sherloc (09022015). Collection method: clinical testing. Allele origin: germline.
Comment: This variant results in the deletion of exon 23 (c.2168_2168+1delinsT) of the FANCD2 gene. It is expected to disrupt RNA splicing. Variants that disrupt the donor or acceptor splice site typically lead to a loss of protein function (PMID: 16199547), and loss-of-function variants in FANCD2 are known to be pathogenic (PMID: 17436244). Information on the frequency of this variant in the gnomAD database is not available, as this variant may be reported differently in the database. This variant has not been reported in the literature in individuals affected with FANCD2-related conditions. In summary, the currently available evidence indicates that the variant is pathogenic, but additional data are needed to prove that conclusively. Therefore, this variant has been classified as Likely Pathogenic.

Literature cited by the submitters: PubMed 16199547; PubMed 17436244.

NM_001018115.3(FANCD2):c.2168_2168+1delinsT

Genes: FANCD2 (FA complementation group D2; plus strand), LOC107303338 (3p25 FANCD2 Alu-mediated recombination region; plus strand). Cytogenetic location: 3p25.3.
Variant type: Indel.
Coding change: c.2168_2168+1delinsT on transcript NM_001018115.3 (MANE Select); coding-DNA position 2168 through the canonical splice donor site of the intron after coding-DNA position 2168, AG replaced by T.
Molecular consequence: splice donor variant.
Genome position (GRCh38, 1-based): chr3:10,064,875-10,064,876, AG replaced by T. VCF-style: chr3-10064875-AG-T. GRCh37 (hg19) VCF-style: chr3-10106559-AG-T.
Other names: c.2168_2168+1delinsT (NM_001319984.2, NM_033084.6, NM_001374254.1); c.2057_2057+1delinsT (NM_001374253.1).
Identifiers: ClinVar variation 969639 (VCV000969639.6), dbSNP rs2087674573, ClinGen allele CA1139657886.